The following is an entry in ClinVar:

NM_078470.6(COX15):c.*2649G>A

Gene: COX15 (cytochrome c oxidase assembly factor COX15; minus strand). Cytogenetic location: 10q24.2.
Variant type: single nucleotide variant.
Coding change: c.*2649G>A on transcript NM_078470.6 (MANE Select); 2649 bases downstream of the stop codon, G replaced by A.
Molecular consequence: 3 prime UTR variant. On other transcripts: non-coding transcript variant (1), intron variant (1).
Genome position (GRCh38, 1-based): chr10:99,711,938, C>T on the plus strand (G>A on the coding strand, the complement: COX15 is on the minus strand). VCF-style: chr10-99711938-C-T. GRCh37 (hg19) VCF-style: chr10-101471695-C-T.
Other names: c.*2830G>A (NM_001320975.2); c.*2649G>A (NM_001320976.2, NM_001372025.1, NM_001372026.1); c.*1868G>A (NM_001372024.1); c.*2753G>A (NM_001372027.1); c.*2076G>A (NM_001372028.1); c.*1476G>A (NM_004376.7); c.1101+4410G>A (NM_001320974.2).
Identifiers: ClinVar variation 298394 (VCV000298394.6), dbSNP rs1128642, ClinGen allele CA10633094.
Genomic context (GRCh38, chr10:99,711,938, plus strand): 5'-GTTCTGCATAGAACTGTATAGGAAGCATGGCGCTGGCATCTGCTTCTGGTGAGGGCCTCA[C>T]GAAGCTTACAATCATGGCAGAAGGTGAAGGGGAGCCAGTGTGTCACATGGTGAGAGAGAG-3'

ClinVar aggregate classification (germline): Benign. Review status: criteria provided, multiple submitters, no conflicts (2 of 4 stars). 2 submissions from 2 submitters: Benign (2). Last evaluated 2018-01-13.

Conditions:
Leigh syndrome (NULS). Also called: Leigh's necrotizing encephalopathy; Leigh's disease; Leigh Syndrome (mtDNA deletion); Leigh's syndrome; Leigh Disease; Subacute necrotizing encephalopathy. Identifiers: Orphanet 506, MedGen C2931891, MONDO:0009723, OMIM 256000.

Allele frequency attached by ClinVar (database versions not stated): 1000 Genomes Project 30x 0.25031; 1000 Genomes Project 0.25180; TOPMed 0.26038; gnomAD 0.27255 and 0.27557; gnomAD exomes 0.29035.
gnomAD v4.1: 163,156 of 571,726 alleles (29%); highest among the groups gnomAD compares: Non-Finnish European, 30%; 23,978 homozygotes.

Submissions (2):

Illumina Laboratory Services, Illumina
Classification: Benign for Leigh syndrome. Last evaluated: 2018-01-13. Review status: criteria provided, single submitter. Criteria: ICSL Variant Classification Criteria 13 December 2019. Collection method: clinical testing. Allele origin: germline.
Comment: This variant was observed in the ICSL laboratory as part of a predisposition screen in an ostensibly healthy population. It had not been previously curated by ICSL or reported in the Human Gene Mutation Database (HGMD: prior to June 1st, 2018), and was therefore a candidate for classification through an automated scoring system. Utilizing variant allele frequency, disease prevalence and penetrance estimates, and inheritance mode, an automated score was calculated to assess if this variant is too frequent to cause the disease. Based on the score and internal cut-off values, a variant classified as benign is not then subjected to further curation. The score for this variant resulted in a classification of benign for this disease.

Breakthrough Genomics
Classification: Benign. Review status: criteria provided, single submitter. Criteria: ACMG Guidelines, 2015. Collection method: not provided. Allele origin: germline. Inheritance: Autosomal recessive inheritance. Affected: yes.